The following is an entry in ClinVar:

NM_182972.3(IRF2BP2):c.1673T>A (p.Val558Glu)

Gene: IRF2BP2 (interferon regulatory factor 2 binding protein 2; minus strand). Cytogenetic location: 1q42.3.
Variant type: single nucleotide variant.
Coding change: c.1673T>A on transcript NM_182972.3 (MANE Select); coding-DNA position 1673, T replaced by A.
Protein change: p.Val558Glu; replaces valine 558 with glutamic acid.
Molecular consequence: missense variant.
Genome position (GRCh38, 1-based): chr1:234,607,228, A>T on the plus strand (T>A on the coding strand, the complement: IRF2BP2 is on the minus strand). VCF-style: chr1-234607228-A-T. GRCh37 (hg19) VCF-style: chr1-234742974-A-T.
Other names: c.1625T>A, p.Val542Glu (NM_001077397.1); short protein forms V558E, V542E.
Identifiers: ClinVar variation 1521411 (VCV001521411.6), dbSNP rs1442252580, ClinGen allele CA345304976.

ClinVar aggregate classification (germline): Uncertain significance (1 of 4 stars; one submission).

Allele frequency attached by ClinVar (database versions not stated): gnomAD exomes below 0.00001; TOPMed below 0.00001; gnomAD 0.00001.
gnomAD v4.1: 2 of 1,614,104 alleles (0.00012%); highest among the groups gnomAD compares: Non-Finnish European, 0.00017%; no homozygotes.

Submission:

Labcorp Genetics (formerly Invitae), Labcorp
Classification: Uncertain significance. Last evaluated: 2025-11-13. Review status: criteria provided, single submitter. Criteria: Invitae Variant Classification Sherloc (09022015). Collection method: clinical testing. Allele origin: germline.
Comment: This sequence change replaces valine, which is neutral and non-polar, with glutamic acid, which is acidic and polar, at codon 558 of the IRF2BP2 protein (p.Val558Glu). This variant is present in population databases (no rsID available, gnomAD 0.002%). This variant has not been reported in the literature in individuals affected with IRF2BP2-related conditions. ClinVar contains an entry for this variant (Variation ID: 1521411). An algorithm developed to predict the effect of missense changes on protein structure and function (PolyPhen-2) suggests that this variant is likely to be disruptive. In summary, the available evidence is currently insufficient to determine the role of this variant in disease. Therefore, it has been classified as a Variant of Uncertain Significance.